The following is an entry in ClinVar:

NM_001083614.2(EARS2):c.728A>G (p.His243Arg)

Gene: EARS2 (glutamyl-tRNA synthetase 2, mitochondrial; minus strand). Cytogenetic location: 16p12.2.
Variant type: single nucleotide variant.
Coding change: c.728A>G on transcript NM_001083614.2 (MANE Select); coding-DNA position 728, A replaced by G.
Protein change: p.His243Arg; replaces histidine 243 with arginine.
Molecular consequence: missense variant. On other transcripts: non-coding transcript variant (1).
Genome position (GRCh38, 1-based): chr16:23,535,118, T>C on the plus strand (A>G on the coding strand, the complement: EARS2 is on the minus strand). VCF-style: chr16-23535118-T-C. GRCh37 (hg19) VCF-style: chr16-23546439-T-C.
Other names: c.728A>G, p.His243Arg (NM_001308211.1); short protein forms H243R.
Identifiers: ClinVar variation 3901976 (VCV003901976.1).
Genomic context (GRCh38, chr16:23,535,118, plus strand): 5'-GCCTGGTAGAGGAGCAGGTGCTTGGCAGTGGAGACGAGCCACTCAGAGCCTCGCAGCACG[T>C]GGCTGATGCCCATGTGGTGGTCGTCCACCACGCAGGCCAGGTGGTATGTGGGGAAGCCGT-3'
Protein context (NP_001077083.1, residues 233-253): VVDDHHMGIS[His243Arg]VLRGSEWLVS

ClinVar aggregate classification (germline): Uncertain significance (1 of 4 stars; one submission).

Conditions:
Leukoencephalopathy-thalamus and brainstem anomalies-high lactate syndrome. Also called: Combined oxidative phosphorylation deficiency 12; LEUKOENCEPHALOPATHY WITH THALAMUS AND BRAINSTEM INVOLVEMENT AND HIGH LACTATE. Identifiers: Orphanet 314051, MedGen C4706421, MONDO:0013971, OMIM 614924.

gnomAD v4.1: 1 of 1,612,086 alleles (0.000062%); highest among the groups gnomAD compares: Non-Finnish European, 0.000085%; no homozygotes.

Submission:

Laboratorio de Genetica e Diagnostico Molecular, Hospital Israelita Albert Einstein
Classification: Uncertain significance for Leukoencephalopathy-thalamus and brainstem anomalies-high lactate syndrome. Last evaluated: 2023-07-26. Review status: criteria provided, single submitter. Criteria: ACMG Guidelines, 2015. Collection method: clinical testing. Allele origin: germline. Affected: yes.
Comment: ACMG classification criteria: PM2 moderate, PP3 supporting